The following is an entry in ClinVar:

NM_005633.4(SOS1):c.1836G>T (p.Arg612Ser)

Gene: SOS1 (SOS Ras/Rac guanine nucleotide exchange factor 1; minus strand). Cytogenetic location: 2p22.1.
Variant type: single nucleotide variant.
Coding change: c.1836G>T on transcript NM_005633.4 (MANE Select); coding-DNA position 1836, G replaced by T.
Protein change: p.Arg612Ser; replaces arginine 612 with serine.
Molecular consequence: missense variant.
Genome position (GRCh38, 1-based): chr2:39,022,592, C>A on the plus strand (G>T on the coding strand, the complement: SOS1 is on the minus strand). VCF-style: chr2-39022592-C-A. GRCh37 (hg19) VCF-style: chr2-39249733-C-A.
Other names: c.1815G>T, p.Arg605Ser (NM_001382394.1); c.1836G>T, p.Arg612Ser (NM_001382395.1); short protein forms R605S, R612S.
Identifiers: ClinVar variation 4882036 (VCV004882036.2).
Genomic context (GRCh38, chr2:39,022,592, plus strand): 5'-AGGAAAACAAAAGTGACAGGCAACTGCATAATTCTTACCTGCGTACATATGGTACGTAAG[C>A]CTCTCTATAAGTTTAATAACAGTTCCTGCTTTGATAATTGGAATTCCAGCCTTGGGCTGC-3'
Protein context (NP_005624.2, residues 602-622): KAGTVIKLIE[Arg612Ser]LTYHMYADPN

ClinVar aggregate classification (germline): Uncertain significance (1 of 4 stars; one submission).

Submission:

Dasa
Classification: Uncertain significance. Last evaluated: 2026-04-02. Review status: criteria provided, single submitter. Criteria: DASA Assertion Criteria. Collection method: clinical testing. Allele origin: germline.
Comment: NM_005633.4(SOS1):c.1836G>T (p.Arg612Ser) is a missense variant that results in the substitution of arginine with serine. This variant is absent from population databases. The currently available literature and clinical evidence are not sufficient to establish a definitive association between this variant and the reported condition. Therefore, this variant is classified as a variant of uncertain significance.